The following is an entry in ClinVar:

NM_024809.5(TCTN2):c.679G>C (p.Gly227Arg)

Gene: TCTN2 (tectonic family member 2; plus strand). Cytogenetic location: 12q24.31.
Variant type: single nucleotide variant.
Coding change: c.679G>C on transcript NM_024809.5 (MANE Select); coding-DNA position 679, G replaced by C.
Protein change: p.Gly227Arg; replaces glycine 227 with arginine.
Molecular consequence: missense variant.
Genome position (GRCh38, 1-based): chr12:123,686,950, G>C. VCF-style: chr12-123686950-G-C. GRCh37 (hg19) VCF-style: chr12-124171497-G-C.
Other names: c.676G>C, p.Gly226Arg (NM_001143850.3); c.679G>C (NM_024809.3); short protein forms G226R, G227R.
Identifiers: ClinVar variation 1468446 (VCV001468446.6), dbSNP rs1051821648, ClinGen allele CA245195544.
Genomic context (GRCh38, chr12:123,686,950, plus strand): 5'-TTTGGAGGAGACGTCAATCCTCCTTTTGATCAGCTCTGCTCTGCTGGGACGACGACACGT[G>C]GTGTCCCCGATTGGTTTCCCTTTCTGTGTGTGCAGTCCCCCCTTGCCAACACACCCTTCC-3'
Protein context (NP_079085.2, residues 217-237): QLCSAGTTTR[Gly227Arg]VPDWFPFLCV

ClinVar aggregate classification (germline): Uncertain significance. Review status: criteria provided, multiple submitters, no conflicts (2 of 4 stars). 2 submissions from 2 submitters: Uncertain significance (2). Last evaluated 2025-12-10.

Conditions:
Inborn genetic diseases. Identifiers: MedGen C0950123, MeSH D030342.
Meckel-Gruber syndrome. Also called: DYSENCEPHALIA SPLANCHNOCYSTICA; GRUBER SYNDROME; Dysencephalia splachnocystica. Identifiers: Orphanet 564, MedGen C0265215, MONDO:0018921.
Joubert syndrome. Also called: CEREBELLOPARENCHYMAL DISORDER IV; JOUBERT-BOLTSHAUSER SYNDROME; Familial aplasia of the vermis. Identifiers: Orphanet 475, MedGen C5979921, MONDO:0018772.

Allele frequency attached by ClinVar (database versions not stated): gnomAD exomes below 0.00001 and 0.00001; gnomAD 0.00003; TOPMed 0.00003.
gnomAD v4.1: 6 of 1,614,042 alleles (0.00037%); highest among the groups gnomAD compares: African/African-American, 0.0027%; no homozygotes.

Submissions (2):

Ambry Genetics
Classification: Uncertain significance for Inborn genetic diseases. Last evaluated: 2025-12-10. Review status: criteria provided, single submitter. Criteria: Ambry Variant Classification Scheme 2023. Collection method: clinical testing. Allele origin: germline.

Labcorp Genetics (formerly Invitae), Labcorp
Classification: Uncertain significance for Joubert syndrome; Meckel-Gruber syndrome. Last evaluated: 2022-10-05. Review status: criteria provided, single submitter. Criteria: Invitae Variant Classification Sherloc (09022015). Collection method: clinical testing. Allele origin: germline.
Comment: This sequence change replaces glycine, which is neutral and non-polar, with arginine, which is basic and polar, at codon 227 of the TCTN2 protein (p.Gly227Arg). This variant is present in population databases (no rsID available, gnomAD 0.01%). This variant has not been reported in the literature in individuals affected with TCTN2-related conditions. ClinVar contains an entry for this variant (Variation ID: 1468446). Advanced modeling of protein sequence and biophysical properties (such as structural, functional, and spatial information, amino acid conservation, physicochemical variation, residue mobility, and thermodynamic stability) performed at Invitae indicates that this missense variant is not expected to disrupt TCTN2 protein function. In summary, the available evidence is currently insufficient to determine the role of this variant in disease. Therefore, it has been classified as a Variant of Uncertain Significance.